The following is an entry in ClinVar:

ClinVar aggregate classification (germline): Pathogenic/Likely pathogenic. Review status: criteria provided, multiple submitters, no conflicts (2 of 4 stars). 13 submissions from 13 submitters: Pathogenic (6); Likely pathogenic (6). 1 of the submissions does not count toward it. Last evaluated 2026-02-10.

Conditions:
BTD-related disorder. Also called: BTD-related condition.
Biotinidase deficiency. Also called: Biotin deficiency; BTD deficiency; Late-onset biotin-responsive multiple carboxylase deficiency. Identifiers: Orphanet 79241, MedGen C0220754, MONDO:0009665, OMIM 253260.

Allele frequency attached by ClinVar (database versions not stated): ExAC 0.00009; gnomAD 0.00024 and 0.00021; ESP Exome Variant Server 0.00016; TOPMed 0.00020.
gnomAD v4.1: 53 of 1,605,016 alleles (0.0033%); highest among the groups gnomAD compares: African/African-American, 0.064%; no homozygotes.

Submissions (13):

Dasa
Classification: Likely pathogenic. Last evaluated: 2026-02-10. Review status: criteria provided, single submitter. Criteria: DASA Assertion Criteria. Collection method: clinical testing. Allele origin: germline.
Comment: NM_001370658.1(BTD):c.1569C>A (p.Asp523Glu) is a missense variant that results in the substitution of aspartic acid with glutamic acid. The affected residue or protein region has prior evidence supporting clinical relevance. This variant has been recurrently observed in individuals with BTD-related disorders (PMID: 39688110; PMID: 25174816; PMID: 25967232; PMID: 28498829; PMID: 22698809). Also, this variant is rare in population databases. Computational evidence supports a deleterious effect. Based on the currently available evidence, this variant is classified as likely pathogenic.

Labcorp Genetics (formerly Invitae), Labcorp
Classification: Pathogenic for Biotinidase deficiency. Last evaluated: 2025-12-31. Review status: criteria provided, single submitter. Criteria: Invitae Variant Classification Sherloc (09022015). Collection method: clinical testing. Allele origin: germline.
Comment: This sequence change replaces aspartic acid, which is acidic and polar, with glutamic acid, which is acidic and polar, at codon 543 of the BTD protein (p.Asp543Glu). This variant is present in population databases (rs146136265, gnomAD 0.06%). This missense change has been observed in individual(s) with biotinidase deficiency (PMID: 25174816, 25967232, 28498829). ClinVar contains an entry for this variant (Variation ID: 25103). Invitae Evidence Modeling of protein sequence and biophysical properties (such as structural, functional, and spatial information, amino acid conservation, physicochemical variation, residue mobility, and thermodynamic stability) indicates that this missense variant is expected to disrupt BTD protein function with a positive predictive value of 95%. For these reasons, this variant has been classified as Pathogenic.

Natera, Inc.
Classification: Pathogenic for Biotinidase deficiency. Last evaluated: 2025-09-05. Review status: criteria provided, single submitter. Criteria: Natera Variant Classification Schema (03/2026). Collection method: clinical testing. Allele origin: germline.
Comment: The c.1569C>A variant in BTD is a missense variant predicted to cause substitution of aspartic acid to glutamic acid at amino acid 523. This variant is rare in the general population with a frequency below the threshold expected for the associated phenotype(s). This variant has been observed in one or more individuals affected with the associated recessive disease, as either homozygous or compound heterozygous with a second variant (PMID: 25967232, 22698809, 36684547, 26810761, 25174816, 28498829, 38299772). Computational prediction algorithms indicate this variant is likely to affect gene or protein function. Given the available evidence, this variant is classified as Pathogenic.

PreventionGenetics, part of Exact Sciences
Classification: Likely pathogenic for BTD-related condition. Last evaluated: 2025-08-20. Review status: criteria provided, single submitter. Criteria: ACMG Guidelines, 2015. Collection method: clinical testing. Allele origin: germline.
Comment: The BTD c.1629C>A variant is predicted to result in the amino acid substitution p.Asp543Glu. This variant has been reported in the homozygous state or with a second BTD variant in individuals with biotinidase deficiency (see, for example: Cowan et al. 2012. PubMed ID: 22698809; Procter et al. 2016. PubMed ID: 26810761; Carvalho et al. 2019. PubMed ID: 31801038). This variant is reported in 0.064% of alleles in individuals of African descent in gnomAD. Other missense variants affecting the same amino acid (p.Asp543His, p.Asp543Val) have also been reported in individuals with biotinidase deficiency (Mühl et al. 2001. PubMed ID: 11313766; Procter et al. 2016. PubMed ID: 26810761). This variant is interpreted as likely pathogenic.

GeneDx
Classification: Likely pathogenic. Last evaluated: 2024-07-21. Review status: criteria provided, single submitter. Criteria: GeneDx Variant Classification Process June 2021. Collection method: clinical testing. Allele origin: germline. Affected: yes.
Comment: In silico analysis supports that this missense variant has a deleterious effect on protein structure/function; Also known as D543E; This variant is associated with the following publications: (PMID: 26810761, 25174816, 25967232, 22698809, 28498829, 35167647, 31801038)

Fulgent Genetics
Classification: Likely pathogenic for Biotinidase deficiency. Last evaluated: 2024-05-15. Review status: criteria provided, single submitter. Criteria: ACMG Guidelines, 2015. Collection method: clinical testing. Allele origin: germline.

Baylor Genetics
Classification: Pathogenic for Biotinidase deficiency. Last evaluated: 2024-03-22. Review status: criteria provided, single submitter. Criteria: ACMG Guidelines, 2015. Collection method: clinical testing. Allele origin: unknown.

Blueprint Genetics
Classification: Likely pathogenic for BTD-related disorders. Last evaluated: 2024-03-11. Review status: criteria provided, single submitter. Criteria: ACMG Guidelines, 2015. Collection method: clinical testing. Allele origin: germline. Affected: yes. Observed: 3 variant alleles.

Laboratorio de Genetica e Diagnostico Molecular, Hospital Israelita Albert Einstein
Classification: Likely pathogenic for Biotinidase deficiency. Last evaluated: 2020-03-03. Review status: criteria provided, single submitter. Criteria: ACMG Guidelines, 2015. Collection method: clinical testing. Allele origin: germline.
Comment: ACMG classification criteria: PS4, PM2, PM3, PP2

Mendelics
Classification: Pathogenic for Biotinidase deficiency. Last evaluated: 2019-05-28. Review status: criteria provided, single submitter. Criteria: Mendelics Assertion Criteria 2017. Collection method: clinical testing. Allele origin: unknown.

Quest Diagnostics Nichols Institute San Juan Capistrano
Classification: Pathogenic. Last evaluated: 2018-08-24. Review status: criteria provided, single submitter. Criteria: Quest Diagnostics criteria. Collection method: clinical testing. Allele origin: germline.

Eurofins Ntd Llc (ga)
Classification: Pathogenic. Last evaluated: 2018-01-03. Review status: criteria provided, single submitter. Criteria: EGL Classification Definitions 2015. Collection method: clinical testing. Allele origin: germline. Observed: 3 variant alleles, 3 heterozygotes.

Counsyl
Classification: Likely pathogenic for Biotinidase deficiency. Last evaluated: 2018-03-30. Review status: no assertion criteria provided. Collection method: clinical testing. Allele origin: unknown. Not counted in ClinVar's aggregate classification.

Literature cited by the submitters: PubMed 39688110 (cited by Dasa); PubMed 25174816 (cited by 4 submitters); PubMed 25967232 (cited by 4 submitters); PubMed 28498829 (cited by 3 submitters); PubMed 22698809 (cited by 3 submitters); PubMed 36684547 (cited by Natera, Inc.); PubMed 26810761 (cited by Natera, Inc. and Counsyl); PubMed 38299772 (cited by Natera, Inc.).

NM_001370658.1(BTD):c.1569C>A (p.Asp523Glu)

Gene: BTD (biotinidase; plus strand). Cytogenetic location: 3p25.1.
Variant type: single nucleotide variant.
Coding change: c.1569C>A on transcript NM_001370658.1 (MANE Select); coding-DNA position 1569, C replaced by A.
Protein change: p.Asp523Glu; replaces aspartic acid 523 with glutamic acid.
Molecular consequence: missense variant. On other transcripts: intron variant (2).
Genome position (GRCh38, 1-based): chr3:15,645,485, C>A. VCF-style: chr3-15645485-C-A. GRCh37 (hg19) VCF-style: chr3-15686992-C-A.
Other names: c.1629C>A, p.Asp543Glu (NM_000060.4); c.1569C>A, p.Asp523Glu (NM_001281723.4, NM_001281724.3, NM_001281725.3 and 16 more transcripts); c.1015+554C>A (NM_001370752.1); c.399+3428C>A (NM_001370753.1); short protein forms D523E.
Identifiers: ClinVar variation 25103 (VCV000025103.30), dbSNP rs146136265, ClinGen allele CA220321.